The following is an entry in ClinVar:

NM_000168.6(GLI3):c.954C>T (p.Val318=)

Gene: GLI3 (GLI family zinc finger 3; minus strand). Cytogenetic location: 7p14.1.
Variant type: single nucleotide variant.
Coding change: c.954C>T on transcript NM_000168.6 (MANE Select); coding-DNA position 954, C replaced by T.
Protein change: p.Val318=; no amino-acid change (valine 318 retained).
Molecular consequence: synonymous variant.
Genome position (GRCh38, 1-based): chr7:42,040,112, G>A on the plus strand (C>T on the coding strand, the complement: GLI3 is on the minus strand). VCF-style: chr7-42040112-G-A. GRCh37 (hg19) VCF-style: chr7-42079711-G-A.
Identifiers: ClinVar variation 1597181 (VCV001597181.14), dbSNP rs142968143, ClinGen allele CA4231013.
Genomic context (GRCh38, chr7:42,040,112, plus strand): 5'-AGATAAGTGACCATAGGAGCCACTTGCTGAAGAGCTGCTACGGGAATTATTGAGAATCGT[G>A]ACCAAGGAGTTGGGAGACGTCCTTATCATGGTCTGAAGGTCAAAGCTATGATCGGAGAGT-3'
Protein context (NP_000159.3, residues 308-328): TMIRTSPNSL[Val318=]TILNNSRSSS

ClinVar aggregate classification (germline): Likely benign. Review status: criteria provided, multiple submitters, no conflicts (2 of 4 stars). 2 submissions from 2 submitters: Likely benign (2). Last evaluated 2025-10-01.

Conditions:
Greig cephalopolysyndactyly syndrome (GCPS). Also called: POLYSYNDACTYLY WITH PECULIAR SKULL SHAPE; GLI3-Related Greig Cephalopolysyndactyly Syndrome; Greig syndrome. Identifiers: Orphanet 380, MedGen C0265306, MONDO:0008287, OMIM 175700.
Pallister-Hall syndrome (PHS). Also called: HYPOTHALAMIC HAMARTOBLASTOMA, HYPOPITUITARISM, IMPERFORATE ANUS, AND POSTAXIAL POLYDACTYLY; GLI3-Related Pallister-Hall Syndrome. Identifiers: Orphanet 672, MedGen C0265220, MONDO:0007804, OMIM 146510.

Allele frequency attached by ClinVar (database versions not stated): ExAC 0.00002; gnomAD exomes 0.00002; gnomAD 0.00003 and 0.00018; ESP Exome Variant Server 0.00008; TOPMed 0.00022.
gnomAD v4.1: 49 of 1,613,918 alleles (0.003%); highest among the groups gnomAD compares: Admixed American, 0.0033%; no homozygotes.

Submissions (2):

CeGaT Center for Human Genetics Tuebingen
Classification: Likely benign. Last evaluated: 2025-10-01. Review status: criteria provided, single submitter. Criteria: CeGaT Center For Human Genetics Tuebingen Variant Classification Criteria Version 2. Collection method: clinical testing. Allele origin: germline. Affected: yes. Observed: 1 variant allele.
Comment: GLI3: BP4, BP7

Labcorp Genetics (formerly Invitae), Labcorp
Classification: Likely benign for Pallister-Hall syndrome; Greig cephalopolysyndactyly syndrome. Last evaluated: 2021-05-18. Review status: criteria provided, single submitter. Criteria: Invitae Variant Classification Sherloc (09022015). Collection method: clinical testing. Allele origin: germline.